The following is an entry in ClinVar:

NM_144670.6(A2ML1):c.737A>G (p.Tyr246Cys)

Gene: A2ML1 (alpha-2-macroglobulin like 1; plus strand). Cytogenetic location: 12p13.31.
Variant type: single nucleotide variant.
Coding change: c.737A>G on transcript NM_144670.6 (MANE Select); coding-DNA position 737, A replaced by G.
Protein change: p.Tyr246Cys; replaces tyrosine 246 with cysteine.
Molecular consequence: missense variant.
Genome position (GRCh38, 1-based): chr12:8,837,448, A>G. VCF-style: chr12-8837448-A-G. GRCh37 (hg19) VCF-style: chr12-8990044-A-G.
Other names: short protein forms Y246C.
Identifiers: ClinVar variation 1758596 (VCV001758596.8), dbSNP rs879029732, ClinGen allele CA232671556.

ClinVar aggregate classification (germline): Uncertain significance. Review status: criteria provided, multiple submitters, no conflicts (2 of 4 stars). 2 submissions from 2 submitters: Uncertain significance (2). Last evaluated 2025-02-12.

Allele frequency attached by ClinVar (database versions not stated): gnomAD exomes below 0.00001; gnomAD 0.00001; TOPMed 0.00001.

Submissions (2):

Labcorp Genetics (formerly Invitae), Labcorp
Classification: Uncertain significance. Last evaluated: 2025-02-12. Review status: criteria provided, single submitter. Criteria: Invitae Variant Classification Sherloc (09022015). Collection method: clinical testing. Allele origin: germline.
Comment: This sequence change replaces tyrosine, which is neutral and polar, with cysteine, which is neutral and slightly polar, at codon 246 of the A2ML1 protein (p.Tyr246Cys). This variant is not present in population databases (gnomAD no frequency). This variant has not been reported in the literature in individuals affected with A2ML1-related conditions. ClinVar contains an entry for this variant (Variation ID: 1758596). An algorithm developed to predict the effect of missense changes on protein structure and function (PolyPhen-2) suggests that this variant is likely to be disruptive. In summary, the available evidence is currently insufficient to determine the role of this variant in disease. Therefore, it has been classified as a Variant of Uncertain Significance.

Ambry Genetics
Classification: Uncertain significance. Last evaluated: 2024-05-25. Review status: criteria provided, single submitter. Criteria: Ambry Variant Classification Scheme 2023. Collection method: clinical testing. Allele origin: germline.
Comment: The p.Y246C variant (also known as c.737A>G), located in coding exon 8 of the A2ML1 gene, results from an A to G substitution at nucleotide position 737. The tyrosine at codon 246 is replaced by cysteine, an amino acid with highly dissimilar properties. This amino acid position is conserved. In addition, the in silico prediction for this alteration is inconclusive. Since supporting evidence is limited at this time, the clinical significance of this alteration remains unclear.